The following is an entry in ClinVar:

ClinVar aggregate classification (germline): Likely benign. Review status: criteria provided, multiple submitters, no conflicts (2 of 4 stars). 6 submissions from 6 submitters: Likely benign (5). 1 of the submissions does not count toward it. Last evaluated 2026-09-01.

Conditions:
Joubert syndrome 38. Identifiers: MedGen C5561958, MONDO:0030353, OMIM 619476.
Short-rib thoracic dysplasia 21 without polydactyly. Identifiers: MedGen C5561961, MONDO:0030356, OMIM 619479.
Orofaciodigital syndrome XV (OFD15). Also called: OFDS XV; ORAL-FACIAL-DIGITAL SYNDROME, TYPE XV. Identifiers: MedGen C4310701, MONDO:0014932, OMIM 617127.
KIAA0753-related disorder.

Allele frequency attached by ClinVar (database versions not stated): 1000 Genomes Project 30x 0.00094; 1000 Genomes Project 0.00100; ESP Exome Variant Server 0.00107; ExAC 0.00154; gnomAD exomes 0.00180 and 0.00300; gnomAD 0.00229 and 0.00240; TOPMed 0.00294.
gnomAD v4.1: 4,748 of 1,614,122 alleles (0.29%); highest among the groups gnomAD compares: Non-Finnish European, 0.36%; 8 homozygotes.

Submissions (6):

CeGaT Center for Human Genetics Tuebingen
Classification: Likely benign. Last evaluated: 2026-09-01. Review status: criteria provided, single submitter. Criteria: CeGaT Center For Human Genetics Tuebingen Variant Classification Criteria Version 2. Collection method: clinical testing. Allele origin: germline. Affected: yes. Observed: 3 variant alleles.
Comment: KIAA0753: BP4, BS2

Labcorp Genetics (formerly Invitae), Labcorp
Classification: Likely benign. Last evaluated: 2026-02-01. Review status: criteria provided, single submitter. Criteria: Invitae Variant Classification Sherloc (09022015). Collection method: clinical testing. Allele origin: germline.

Blueprint Genetics
Classification: Likely benign. Last evaluated: 2024-11-26. Review status: criteria provided, single submitter. Criteria: ACMG Guidelines, 2015. Collection method: clinical testing. Allele origin: germline.

Fulgent Genetics
Classification: Likely benign for Orofaciodigital syndrome XV; Joubert syndrome 38; Short-rib thoracic dysplasia 21 without polydactyly. Last evaluated: 2021-08-09. Review status: criteria provided, single submitter. Criteria: ACMG Guidelines, 2015. Collection method: clinical testing. Allele origin: unknown.

Breakthrough Genomics
Classification: Likely benign. Review status: criteria provided, single submitter. Criteria: ACMG Guidelines, 2015. Collection method: not provided. Allele origin: germline. Inheritance: Autosomal recessive inheritance. Affected: yes.

PreventionGenetics, part of Exact Sciences
Classification: Likely benign for KIAA0753-related condition. Last evaluated: 2023-06-08. Review status: no assertion criteria provided. Collection method: clinical testing. Allele origin: germline. Not counted in ClinVar's aggregate classification.
Comment: This variant is classified as likely benign based on ACMG/AMP sequence variant interpretation guidelines (Richards et al. 2015 PMID: 25741868, with internal and published modifications).

NM_014804.3(KIAA0753):c.236T>C (p.Val79Ala)

Gene: KIAA0753 (KIAA0753; minus strand). Cytogenetic location: 17p13.1.
Variant type: single nucleotide variant.
Coding change: c.236T>C on transcript NM_014804.3 (MANE Select); coding-DNA position 236, T replaced by C.
Protein change: p.Val79Ala; replaces valine 79 with alanine.
Molecular consequence: missense variant. On other transcripts: 5 prime UTR variant (1), non-coding transcript variant (3).
Genome position (GRCh38, 1-based): chr17:6,628,599, A>G on the plus strand (T>C on the coding strand, the complement: KIAA0753 is on the minus strand). VCF-style: chr17-6628599-A-G. GRCh37 (hg19) VCF-style: chr17-6531919-A-G.
Other names: c.-999T>C (NM_001351225.2); short protein forms V79A.
Identifiers: ClinVar variation 713011 (VCV000713011.37), dbSNP rs201379908, ClinGen allele CA8330806.
Genomic context (GRCh38, chr17:6,628,599, plus strand): 5'-TAGCTAAGTCTCTCTTGGGATATGACGGAAAATGAAACAGAACTGCCCAGGTCAGGACCA[A>G]CTCTACAATCTGCATCTTTACAATGGTATGATTCATTGTATGAGTGCTTCAGTTTTTCAA-3'
Protein context (NP_055619.2, residues 69-89): SYHCKDADCR[Val79Ala]GPDLGSSVSF